The following is an entry in ClinVar:

ClinVar aggregate classification (germline): Uncertain significance. Review status: criteria provided, multiple submitters, no conflicts (2 of 4 stars). 2 submissions from 2 submitters: Uncertain significance (2). Last evaluated 2023-05-08.

Conditions:
Spondyloepimetaphyseal dysplasia with joint laxity (SEMDJL). Identifiers: MedGen C0432243, MONDO:0019675.
Ehlers-Danlos syndrome, spondylodysplastic type, 2 (EDSSPD2). Also called: Ehlers-Danlos syndrome, progeroid type, 2. Identifiers: Orphanet 536467, Orphanet 75496, MedGen C3809210, MONDO:0014139, OMIM 615349.

Allele frequency attached by ClinVar (database versions not stated): gnomAD 0.00001; gnomAD exomes 0.00001; TOPMed 0.00001; ExAC 0.00016.

Submissions (2):

Labcorp Genetics (formerly Invitae), Labcorp
Classification: Uncertain significance for Ehlers-Danlos syndrome, spondylodysplastic type, 2; Spondyloepimetaphyseal dysplasia with joint laxity. Last evaluated: 2023-05-08. Review status: criteria provided, single submitter. Criteria: Invitae Variant Classification Sherloc (09022015). Collection method: clinical testing. Allele origin: germline.
Comment: This variant is present in population databases (rs748952705, gnomAD 0.02%). In summary, the available evidence is currently insufficient to determine the role of this variant in disease. Therefore, it has been classified as a Variant of Uncertain Significance. Algorithms developed to predict the effect of missense changes on protein structure and function output the following: SIFT: "Not Available"; PolyPhen-2: "Benign"; Align-GVGD: "Not Available". The serine amino acid residue is found in multiple mammalian species, which suggests that this missense change does not adversely affect protein function. ClinVar contains an entry for this variant (Variation ID: 955465). This variant has not been reported in the literature in individuals affected with B3GALT6-related conditions. This sequence change replaces alanine, which is neutral and non-polar, with serine, which is neutral and polar, at codon 176 of the B3GALT6 protein (p.Ala176Ser).

GeneDx
Classification: Uncertain significance. Last evaluated: 2019-10-11. Review status: criteria provided, single submitter. Criteria: GeneDx Variant Classification Process June 2021. Collection method: clinical testing. Allele origin: germline. Affected: yes.
Comment: Has not been previously published as pathogenic or benign to our knowledge; Not observed at a significant frequency in large population cohorts (Lek et al., 2016); In silico analysis, which includes protein predictors and evolutionary conservation, supports that this variant does not alter protein structure/function

NM_080605.4(B3GALT6):c.526G>T (p.Ala176Ser)

Gene: B3GALT6 (beta-1,3-galactosyltransferase 6; plus strand). Cytogenetic location: 1p36.33.
Variant type: single nucleotide variant.
Coding change: c.526G>T on transcript NM_080605.4 (MANE Select); coding-DNA position 526, G replaced by T.
Protein change: p.Ala176Ser; replaces alanine 176 with serine.
Molecular consequence: missense variant.
Genome position (GRCh38, 1-based): chr1:1,232,804, G>T. VCF-style: chr1-1232804-G-T. GRCh37 (hg19) VCF-style: chr1-1168184-G-T.
Other names: short protein forms A176S.
Identifiers: ClinVar variation 955465 (VCV000955465.5), dbSNP rs748952705, ClinGen allele CA513374.